The following is an entry in ClinVar:

NC_000005.10:g.112707454T>C

Gene: APC (APC regulator of Wnt signaling pathway; plus strand). Cytogenetic location: 5q22.2.
Variant type: single nucleotide variant.
Genome position: GRCh38 VCF-style: chr5-112707454-T-C. GRCh37 (hg19) VCF-style: chr5-112043151-T-C.
Identifiers: ClinVar variation 537640 (VCV000537640.10), dbSNP rs1280021363, ClinGen allele CA658796598.

ClinVar aggregate classification (germline): Uncertain significance (1 of 4 stars; one submission).

Conditions:
Familial adenomatous polyposis 1 (FAP1). Also called: FAMILIAL ADENOMATOUS POLYPOSIS 1, ATTENUATED; POLYPOSIS, ADENOMATOUS INTESTINAL. Identifiers: MedGen C2713442, MONDO:0021056, OMIM 175100. Disease mechanism: loss of function.

Allele frequency attached by ClinVar (database versions not stated): TOPMed 0.00001.

Submission:

Labcorp Genetics (formerly Invitae), Labcorp
Classification: Uncertain significance for Familial adenomatous polyposis 1. Last evaluated: 2026-01-16. Review status: criteria provided, single submitter. Criteria: Invitae Variant Classification Sherloc (09022015). Collection method: clinical testing. Allele origin: germline.
Comment: This variant occurs in a non-coding region of the APC gene. It does not change the encoded amino acid sequence of the APC protein. This variant is not present in population databases (gnomAD no frequency). This variant has not been reported in the literature in individuals affected with APC-related conditions. ClinVar contains an entry for this variant (Variation ID: 537640). Experimental studies and prediction algorithms are not available or were not evaluated, and the functional significance of this variant is currently unknown. In summary, the available evidence is currently insufficient to determine the role of this variant in disease. Therefore, it has been classified as a Variant of Uncertain Significance.